The following is an entry in ClinVar:

ClinVar aggregate classification (germline): Likely benign (1 of 4 stars; one submission).

gnomAD v4.1: 32 of 1,583,190 alleles (0.002%); highest among the groups gnomAD compares: Admixed American, 0.011%; no homozygotes.

Submission:

CeGaT Center for Human Genetics Tuebingen
Classification: Likely benign. Last evaluated: 2026-07-01. Review status: criteria provided, single submitter. Criteria: CeGaT Center For Human Genetics Tuebingen Variant Classification Criteria Version 2. Collection method: clinical testing. Allele origin: germline. Affected: yes. Observed: 1 variant allele.
Comment: TUBGCP2: BP4

NM_006659.4(TUBGCP2):c.2290-6C>G

Gene: TUBGCP2 (tubulin gamma complex component 2; minus strand). Cytogenetic location: 10q26.3.
Variant type: single nucleotide variant.
Coding change: c.2290-6C>G on transcript NM_006659.4 (MANE Select); 6 bases into the intron before coding-DNA position 2290, C replaced by G.
Molecular consequence: intron variant.
Genome position (GRCh38, 1-based): chr10:133,282,348, G>C on the plus strand (C>G on the coding strand, the complement: TUBGCP2 is on the minus strand). VCF-style: chr10-133282348-G-C. GRCh37 (hg19) VCF-style: chr10-135095852-G-C.
Other names: c.1900-6C>G (NM_001256618.2); c.2374-6C>G (NM_001256617.2).
Identifiers: ClinVar variation 5038829 (VCV005038829.1).
Genomic context (GRCh38, chr10:133,282,348, plus strand): 5'-GCTCCAGCGTCTGCCCGCCCAGCTCGCCATCTAATTTCATGCTCTGTGTAAATTTCTAGG[G>C]GGGGAGAGTCGCAAGGAAATGCTTCTGTTAGTTACAACCACAATGCTTTGCAGAAAAAAC-3'